The following is an entry in ClinVar:

ClinVar aggregate classification (germline): Uncertain significance (1 of 4 stars; one submission).

Submission:

Labcorp Genetics (formerly Invitae), Labcorp
Classification: Uncertain significance. Last evaluated: 2023-05-31. Review status: criteria provided, single submitter. Criteria: Invitae Variant Classification Sherloc (09022015). Collection method: clinical testing. Allele origin: germline.
Comment: In summary, the available evidence is currently insufficient to determine the role of this variant in disease. Therefore, it has been classified as a Variant of Uncertain Significance. An algorithm developed to predict the effect of missense changes on protein structure and function (PolyPhen-2) suggests that this variant is likely to be disruptive. This variant has not been reported in the literature in individuals affected with LRRC8A-related conditions. This variant is not present in population databases (gnomAD no frequency). This sequence change replaces phenylalanine, which is neutral and non-polar, with cysteine, which is neutral and slightly polar, at codon 728 of the LRRC8A protein (p.Phe728Cys).

NM_019594.4(LRRC8A):c.2183T>G (p.Phe728Cys)

Gene: LRRC8A (leucine rich repeat containing 8 VRAC subunit A; plus strand). Cytogenetic location: 9q34.11.
Variant type: single nucleotide variant.
Coding change: c.2183T>G on transcript NM_019594.4 (MANE Select); coding-DNA position 2183, T replaced by G.
Protein change: p.Phe728Cys; replaces phenylalanine 728 with cysteine.
Molecular consequence: missense variant.
Genome position (GRCh38, 1-based): chr9:128,916,121, T>G. VCF-style: chr9-128916121-T-G. GRCh37 (hg19) VCF-style: chr9-131678400-T-G.
Other names: c.2183T>G, p.Phe728Cys (NM_001127244.2, NM_001127245.2); short protein forms F728C.
Identifiers: ClinVar variation 2755079 (VCV002755079.3), dbSNP rs1564533049, ClinGen allele CA375091486.